The following is an entry in ClinVar:

ClinVar aggregate classification (germline): Uncertain significance (1 of 4 stars; one submission).

Submission:

GeneDx
Classification: Uncertain significance. Last evaluated: 2024-04-22. Review status: criteria provided, single submitter. Criteria: GeneDx Variant Classification Process June 2021. Collection method: clinical testing. Allele origin: germline. Affected: yes.
Comment: Not observed at significant frequency in large population cohorts (gnomAD); In silico analysis indicates that this missense variant does not alter protein structure/function; Has not been previously published as pathogenic or benign to our knowledge

NM_206933.4(USH2A):c.6226A>T (p.Asn2076Tyr)

Gene: USH2A (usherin; minus strand). Cytogenetic location: 1q41.
Variant type: single nucleotide variant.
Coding change: c.6226A>T on transcript NM_206933.4 (MANE Select); coding-DNA position 6226, A replaced by T.
Protein change: p.Asn2076Tyr; replaces asparagine 2076 with tyrosine.
Molecular consequence: missense variant.
Genome position (GRCh38, 1-based): chr1:216,046,530, T>A on the plus strand (A>T on the coding strand, the complement: USH2A is on the minus strand). VCF-style: chr1-216046530-T-A. GRCh37 (hg19) VCF-style: chr1-216219872-T-A.
Other names: short protein forms N2076Y.
Identifiers: ClinVar variation 3372844 (VCV003372844.1).